The following is an entry in ClinVar:

NM_000051.4(ATM):c.6347+3A>G

Genes: C11orf65 (chromosome 11 open reading frame 65; minus strand), ATM (ATM serine/threonine kinase; plus strand). Cytogenetic location: 11q22.3.
Variant type: single nucleotide variant.
Coding change: c.6347+3A>G on transcript NM_000051.4 (MANE Select); 3 bases into the intron after coding-DNA position 6347, A replaced by G.
Molecular consequence: intron variant.
Genome position (GRCh38, 1-based): chr11:108,317,524, A>G. VCF-style: chr11-108317524-A-G. GRCh37 (hg19) VCF-style: chr11-108188251-A-G.
Other names: c.6347+3A>G (NM_001351834.2); c.641-8453T>C (NM_001330368.2); c.*39-8453T>C (NM_001351110.2).
Identifiers: ClinVar variation 482709 (VCV000482709.12), dbSNP rs1555114854, ClinGen allele CA658656217.
Genomic context (GRCh38, chr11:108,317,524, plus strand): 5'-AACTTCATTACCAAGCAGCATGGAGGAATATGCAGTGGGACCATTGCACTTCCGTCAGGT[A>G]AGAAATTTGACTTGATTTTTTTTTTTTTGCCTCTCTCCTCATTCTAAACAACAACTGTTT-3'

ClinVar aggregate classification (germline): Uncertain significance. Review status: criteria provided, multiple submitters, no conflicts (2 of 4 stars). 2 submissions from 2 submitters: Uncertain significance (2). Last evaluated 2025-12-31.

Conditions:
Hereditary cancer-predisposing syndrome. Also called: Neoplastic Syndromes, Hereditary; Hereditary Cancer Syndrome; Tumor predisposition; Hereditary neoplastic syndrome. Identifiers: Orphanet 140162, MedGen C0027672, MeSH D009386, MONDO:0015356.
Ataxia-telangiectasia syndrome (AT). Also called: LOUIS-BAR SYNDROME; Cerebello-oculocutaneous telangiectasia; Immunodeficiency with ataxia telangiectasia; Ataxia-telangiectasia, complementation group D; AT, COMPLEMENTATION GROUP C; Ataxia-telangiectasia, complementation group E. Identifiers: Orphanet 100, MedGen C0004135, MONDO:0008840, OMIM 208900.

Allele frequency attached by ClinVar (database versions not stated): gnomAD exomes below 0.00001.
gnomAD v4.1: 2 of 1,599,874 alleles (0.00013%); highest among the groups gnomAD compares: Non-Finnish European, 0.00017%; no homozygotes.

Submissions (2):

Labcorp Genetics (formerly Invitae), Labcorp
Classification: Uncertain significance for Ataxia-telangiectasia syndrome. Last evaluated: 2025-12-31. Review status: criteria provided, single submitter. Criteria: Invitae Variant Classification Sherloc (09022015). Collection method: clinical testing. Allele origin: germline.
Comment: This sequence change falls in intron 43 of the ATM gene. It does not directly change the encoded amino acid sequence of the ATM protein. It affects a nucleotide within the consensus splice site. This variant is not present in population databases (gnomAD no frequency). This variant has not been reported in the literature in individuals affected with ATM-related conditions. ClinVar contains an entry for this variant (Variation ID: 482709). Variants that disrupt the consensus splice site are a relatively common cause of aberrant splicing (PMID: 17576681, 9536098). Algorithms developed to predict the effect of sequence changes on RNA splicing suggest that this variant is not likely to affect RNA splicing. In summary, the available evidence is currently insufficient to determine the role of this variant in disease. Therefore, it has been classified as a Variant of Uncertain Significance.

Ambry Genetics
Classification: Uncertain significance for Hereditary cancer-predisposing syndrome. Last evaluated: 2024-05-15. Review status: criteria provided, single submitter. Criteria: Ambry Variant Classification Scheme 2023. Collection method: clinical testing. Allele origin: germline.
Comment: The c.6347+3A>G intronic variant results from an A to G substitution 3 nucleotides after coding exon 42 in the ATM gene. This nucleotide position is highly conserved in available vertebrate species. In silico splice site analysis predicts that this alteration will not have any significant effect on splicing; however, direct evidence is insufficient at this time (Ambry internal data). Based on the available evidence, the clinical significance of this variant remains unclear.

Literature cited by the submitters: PubMed 17576681 (cited by Labcorp Genetics (formerly Invitae), Labcorp); PubMed 9536098 (cited by Labcorp Genetics (formerly Invitae), Labcorp).